The following is an entry in ClinVar:

NM_023036.6(DNAI2):c.517G>A (p.Asp173Asn)

Gene: DNAI2 (dynein axonemal intermediate chain 2; plus strand). Cytogenetic location: 17q25.1.
Variant type: single nucleotide variant.
Coding change: c.517G>A on transcript NM_023036.6 (MANE Select); coding-DNA position 517, G replaced by A.
Protein change: p.Asp173Asn; replaces aspartic acid 173 with asparagine.
Molecular consequence: missense variant. On other transcripts: non-coding transcript variant (1).
Genome position (GRCh38, 1-based): chr17:74,289,643, G>A. VCF-style: chr17-74289643-G-A. GRCh37 (hg19) VCF-style: chr17-72285782-G-A.
Other names: c.517G>A, p.Asp173Asn (NM_001172810.3, NM_001353167.2); short protein forms D173N.
Identifiers: ClinVar variation 2196615 (VCV002196615.2), dbSNP rs150649080, ClinGen allele CA8745390.

ClinVar aggregate classification (germline): Uncertain significance (1 of 4 stars; one submission).

Conditions:
Primary ciliary dyskinesia. Also called: Ciliary dyskinesia. Identifiers: Orphanet 244, MedGen C0008780, MONDO:0016575, HP:0012265.

Allele frequency attached by ClinVar (database versions not stated): gnomAD 0.00001; gnomAD exomes 0.00001; TOPMed 0.00001; ExAC 0.00002; ESP Exome Variant Server 0.00008.
gnomAD v4.1: 15 of 1,613,952 alleles (0.00093%); highest among the groups gnomAD compares: Admixed American, 0.0017%; no homozygotes.

Submission:

Labcorp Genetics (formerly Invitae), Labcorp
Classification: Uncertain significance for Primary ciliary dyskinesia. Last evaluated: 2026-01-05. Review status: criteria provided, single submitter. Criteria: Invitae Variant Classification Sherloc (09022015). Collection method: clinical testing. Allele origin: germline.
Comment: This sequence change replaces aspartic acid, which is acidic and polar, with asparagine, which is neutral and polar, at codon 173 of the DNAI2 protein (p.Asp173Asn). This variant is present in population databases (rs150649080, gnomAD 0.006%). This variant has not been reported in the literature in individuals affected with DNAI2-related conditions. ClinVar contains an entry for this variant (Variation ID: 2196615). Invitae Evidence Modeling of protein sequence and biophysical properties (such as structural, functional, and spatial information, amino acid conservation, physicochemical variation, residue mobility, and thermodynamic stability) indicates that this missense variant is not expected to disrupt DNAI2 protein function with a negative predictive value of 95%. In summary, the available evidence is currently insufficient to determine the role of this variant in disease. Therefore, it has been classified as a Variant of Uncertain Significance.